The following is an entry in ClinVar:

NM_024675.4(PALB2):c.1414C>A (p.Gln472Lys)

Gene: PALB2 (partner and localizer of BRCA2; minus strand). Cytogenetic location: 16p12.2.
Variant type: single nucleotide variant.
Coding change: c.1414C>A on transcript NM_024675.4 (MANE Select); coding-DNA position 1414, C replaced by A.
Protein change: p.Gln472Lys; replaces glutamine 472 with lysine.
Molecular consequence: missense variant.
Genome position (GRCh38, 1-based): chr16:23,635,132, G>T on the plus strand (C>A on the coding strand, the complement: PALB2 is on the minus strand). VCF-style: chr16-23635132-G-T. GRCh37 (hg19) VCF-style: chr16-23646453-G-T.
Other names: short protein forms Q472K.
Identifiers: ClinVar variation 1050985 (VCV001050985.10), dbSNP rs2142416694, ClinGen allele CA395131322.
Genomic context (GRCh38, chr16:23,635,132, plus strand): 5'-CAGCGGGAGAGCTGACTTTAGTTAATGAGAGAAGTTTCTGAGAGGTTCTTGAACTTGGTT[G>T]TCCTGTGCATGTGCCAGACATCCTAATTTCACTTTGGTCAGTTTCCTCATTGGAAAGGTT-3'
Protein context (NP_078951.2, residues 462-482): EIRMSGTCTG[Gln472Lys]PSSRTSQKLL

ClinVar aggregate classification (germline): Uncertain significance (1 of 4 stars; one submission).

Conditions:
Familial cancer of breast. Also called: BREAST CANCER, FAMILIAL; Hereditary breast cancer; hereditary breast carcinoma. Identifiers: Orphanet 227535, MedGen C0346153, MONDO:0016419, OMIM 114480. Disease mechanism: loss of function.

Submission:

Labcorp Genetics (formerly Invitae), Labcorp
Classification: Uncertain significance for Familial cancer of breast. Last evaluated: 2020-06-25. Review status: criteria provided, single submitter. Criteria: Invitae Variant Classification Sherloc (09022015). Collection method: clinical testing. Allele origin: germline.
Comment: In summary, the available evidence is currently insufficient to determine the role of this variant in disease. Therefore, it has been classified as a Variant of Uncertain Significance. Algorithms developed to predict the effect of missense changes on protein structure and function output the following: SIFT: "Tolerated"; PolyPhen-2: "Benign"; Align-GVGD: "Class C0". The lysine amino acid residue is found in multiple mammalian species, suggesting that this missense change does not adversely affect protein function. These predictions have not been confirmed by published functional studies and their clinical significance is uncertain. This variant has not been reported in the literature in individuals with PALB2-related conditions. This variant is not present in population databases (ExAC no frequency). This sequence change replaces glutamine with lysine at codon 472 of the PALB2 protein (p.Gln472Lys). The glutamine residue is moderately conserved and there is a small physicochemical difference between glutamine and lysine.